The following is an entry in ClinVar:

ClinVar aggregate classification (germline): Uncertain significance (1 of 4 stars; one submission).

Conditions:
Catecholaminergic polymorphic ventricular tachycardia 1. Also called: VENTRICULAR TACHYCARDIA, STRESS-INDUCED POLYMORPHIC 1; VENTRICULAR TACHYCARDIA, CATECHOLAMINERGIC POLYMORPHIC, 1, WITH OR WITHOUT ATRIAL DYSFUNCTION AND/OR DILATED CARDIOMYOPATHY; RYR2-Related Catecholaminergic Polymorphic Ventricular Tachycardia. Identifiers: Orphanet 3286, MedGen C1631597, MONDO:0011484, OMIM 604772.

Submission:

Labcorp Genetics (formerly Invitae), Labcorp
Classification: Uncertain significance for Catecholaminergic polymorphic ventricular tachycardia 1. Last evaluated: 2024-09-29. Review status: criteria provided, single submitter. Criteria: Invitae Variant Classification Sherloc (09022015). Collection method: clinical testing. Allele origin: germline.
Comment: This sequence change replaces serine, which is neutral and polar, with leucine, which is neutral and non-polar, at codon 2393 of the RYR2 protein (p.Ser2393Leu). This variant is not present in population databases (gnomAD no frequency). This variant has not been reported in the literature in individuals affected with RYR2-related conditions. Invitae Evidence Modeling of protein sequence and biophysical properties (such as structural, functional, and spatial information, amino acid conservation, physicochemical variation, residue mobility, and thermodynamic stability) has been performed for this missense variant. However, the output from this modeling did not meet the statistical confidence thresholds required to predict the impact of this variant on RYR2 protein function. Algorithms developed to predict the effect of sequence changes on RNA splicing suggest that this variant may disrupt the consensus splice site. In summary, the available evidence is currently insufficient to determine the role of this variant in disease. Therefore, it has been classified as a Variant of Uncertain Significance.

NM_001035.3(RYR2):c.7178C>T (p.Ser2393Leu)

Gene: RYR2 (ryanodine receptor 2; plus strand). Cytogenetic location: 1q43.
Variant type: single nucleotide variant.
Coding change: c.7178C>T on transcript NM_001035.3 (MANE Select); coding-DNA position 7178, C replaced by T.
Protein change: p.Ser2393Leu; replaces serine 2393 with leucine.
Molecular consequence: missense variant.
Genome position (GRCh38, 1-based): chr1:237,640,959, C>T. VCF-style: chr1-237640959-C-T. GRCh37 (hg19) VCF-style: chr1-237804259-C-T.
Other names: short protein forms S2393L.
Identifiers: ClinVar variation 3614222 (VCV003614222.2).